The following is an entry in ClinVar:

NM_152564.5(VPS13B):c.2366G>T (p.Gly789Val)

Gene: VPS13B (vacuolar protein sorting 13 homolog B; plus strand). Cytogenetic location: 8q22.2.
Variant type: single nucleotide variant.
Coding change: c.2366G>T on transcript NM_152564.5 (MANE Select); coding-DNA position 2366, G replaced by T.
Protein change: p.Gly789Val; replaces glycine 789 with valine.
Molecular consequence: missense variant.
Genome position (GRCh38, 1-based): chr8:99,192,908, G>T. VCF-style: chr8-99192908-G-T. GRCh37 (hg19) VCF-style: chr8-100205136-G-T.
Other names: c.2366G>T, p.Gly789Val (NM_015243.3, NM_017890.5); short protein forms G789V.
Identifiers: ClinVar variation 4991827 (VCV004991827.1).
Genomic context (GRCh38, chr8:99,192,908, plus strand): 5'-TTGCGATTCTTTCTGTTTTCTTGTGCAGGACCAAAAGATCTCAGATTGCTATAACTGAAG[G>T]TATATTTGAACTTCCAAATCTCACAATTCAAGCTACAAGAGCACAGACACTTCTCTTGCA-3'
Protein context (NP_689777.3, residues 779-799): TKRSQIAITE[Gly789Val]IFELPNLTIQ

ClinVar aggregate classification (germline): Uncertain significance (1 of 4 stars; one submission).

Conditions:
VPS13B-related disorder. Also called: VPS13B-related condition.

Submission:

PreventionGenetics, part of Exact Sciences
Classification: Uncertain significance for VPS13B-related condition. Last evaluated: 2026-08-31. Review status: criteria provided, single submitter. Criteria: ACMG Guidelines, 2015. Collection method: clinical testing. Allele origin: germline.
Comment: The VPS13B c.2366G>T variant is predicted to result in the amino acid substitution p.Gly789Val. To our knowledge, this variant has not been reported in the literature or in a large population database (gnomAD), indicating this variant is rare. At this time, the clinical significance of this variant is uncertain due to the absence of conclusive functional and genetic evidence.